The following is an entry in ClinVar:

ClinVar aggregate classification (germline): Uncertain significance (1 of 4 stars; one submission).

Conditions:
Cystic fibrosis (CF). Also called: MUCOVISCIDOSIS. Identifiers: Orphanet 586, MedGen C0010674, MONDO:0009061, OMIM 219700. Disease mechanism: loss of function.

Submission:

Ambry Genetics
Classification: Uncertain significance for Cystic fibrosis. Last evaluated: 2026-05-02. Review status: criteria provided, single submitter. Criteria: Ambry Variant Classification Scheme 2023. Collection method: clinical testing. Allele origin: germline.
Comment: The p.D373G variant (also known as c.1118A>G), located in coding exon 9 of the CFTR gene, results from an A to G substitution at nucleotide position 1118. The aspartic acid at codon 373 is replaced by glycine, an amino acid with similar properties. This amino acid position is conserved. In addition, this alteration is predicted to be deleterious by in silico analysis. Based on the available evidence, the clinical significance of this variant remains unclear.

NM_000492.4(CFTR):c.1118A>G (p.Asp373Gly)

Gene: CFTR (CF transmembrane conductance regulator; plus strand). Cytogenetic location: 7q31.2.
Variant type: single nucleotide variant.
Coding change: c.1118A>G on transcript NM_000492.4 (MANE Select); coding-DNA position 1118, A replaced by G.
Protein change: p.Asp373Gly; replaces aspartic acid 373 with glycine.
Molecular consequence: missense variant.
Genome position (GRCh38, 1-based): chr7:117,542,017, A>G. VCF-style: chr7-117542017-A-G. GRCh37 (hg19) VCF-style: chr7-117182071-A-G.
Other names: short protein forms D373G.
Identifiers: ClinVar variation 4868843 (VCV004868843.1).